The following is an entry in ClinVar:

NM_000092.5(COL4A4):c.862G>C (p.Gly288Arg)

Gene: COL4A4 (collagen type IV alpha 4 chain; minus strand). Cytogenetic location: 2q36.3.
Variant type: single nucleotide variant.
Coding change: c.862G>C on transcript NM_000092.5 (MANE Select); coding-DNA position 862, G replaced by C.
Protein change: p.Gly288Arg; replaces glycine 288 with arginine.
Molecular consequence: missense variant.
Genome position (GRCh38, 1-based): chr2:227,103,152, C>G on the plus strand (G>C on the coding strand, the complement: COL4A4 is on the minus strand). VCF-style: chr2-227103152-C-G. GRCh37 (hg19) VCF-style: chr2-227967868-C-G.
Other names: short protein forms G288R.
Identifiers: ClinVar variation 3907355 (VCV003907355.1).
Genomic context (GRCh38, chr2:227,103,152, plus strand): 5'-TAAGATAGTACATCACACAAATGAAAAAAAAAAAGGTACTTAAATAAACTACCTTGCGTC[C>G]TGGTGGTCCTGGCAGTCCAACCATTCCAGGAATTCCTTTTATACCCTAAAAATTACAATG-3'
Protein context (NP_000083.3, residues 278-298): PGMVGLPGPP[Gly288Arg]RKGESGIGAK

ClinVar aggregate classification (germline): Uncertain significance (1 of 4 stars; one submission).

Submission:

Women's Health and Genetics/Laboratory Corporation of America, LabCorp
Classification: Uncertain significance. Last evaluated: 2025-06-05. Review status: criteria provided, single submitter. Criteria: LabCorp Variant Classification Summary - May 2015. Collection method: clinical testing. Allele origin: germline.
Comment: Variant summary: COL4A4 c.862G>C (p.Gly288Arg) results in a non-conservative amino acid change in the encoded protein sequence. Algorithms developed to predict the effect of missense changes on protein structure and function all suggest that this variant is likely to be disruptive. The variant was absent in 247096 control chromosomes. The available data on variant occurrences in the general population are insufficient to allow any conclusion about variant significance. To our knowledge, no occurrence of c.862G>C in individuals affected with Alport Syndrome, Autosomal Recessive and no experimental evidence demonstrating its impact on protein function have been reported. No submitters have cited clinical-significance assessments for this variant to ClinVar. Based on the evidence outlined above, the variant was classified as uncertain significance.